The following is an entry in ClinVar:

ClinVar aggregate classification (germline): Uncertain significance. Review status: criteria provided, multiple submitters, no conflicts (2 of 4 stars). 2 submissions from 2 submitters: Uncertain significance (2). Last evaluated 2026-02-19.

Conditions:
Hereditary nonpolyposis colorectal neoplasms. Identifiers: MedGen C0009405, MeSH D003123.
Hereditary cancer-predisposing syndrome. Also called: Tumor predisposition; Hereditary Cancer Syndrome; Neoplastic Syndromes, Hereditary; Hereditary neoplastic syndrome. Identifiers: Orphanet 140162, MedGen C0027672, MeSH D009386, MONDO:0015356.

Submissions (2):

Ambry Genetics
Classification: Uncertain significance for Hereditary cancer-predisposing syndrome. Last evaluated: 2026-02-19. Review status: criteria provided, single submitter. Criteria: Ambry Variant Classification Scheme 2023. Collection method: clinical testing. Allele origin: germline.
Comment: The c.538-3C>G intronic variant results from a C to G substitution 3 nucleotides upstream from coding exon 6 in the PMS2 gene. Functional analyses using both minigene assays and patient mRNA have shown that this alteration leads to potential aberrant transcripts of the PMS2 protein, bit it is unclear what effect this may have on the final PMS2 protein product, and, if any, the contribution to disease (Borr&agrave;s E et al. J. Med. Genet., 2013 Aug;50:552-63; van der Klift HM et al. Mol Genet Genomic Med, 2015 Jul;3:327-45). This nucleotide position is well conserved in available vertebrate species. In silico splice site analysis predicts that this alteration will weaken the native splice acceptor site. Based on the available evidence, the clinical significance of this variant remains unclear.

Labcorp Genetics (formerly Invitae), Labcorp
Classification: Uncertain significance for Hereditary nonpolyposis colorectal neoplasms. Last evaluated: 2023-12-18. Review status: criteria provided, single submitter. Criteria: Invitae Variant Classification Sherloc (09022015). Collection method: clinical testing. Allele origin: germline.
Comment: This sequence change falls in intron 5 of the PMS2 gene. It does not directly change the encoded amino acid sequence of the PMS2 protein. It affects a nucleotide within the consensus splice site. This variant is not present in population databases (gnomAD no frequency). This variant has been observed in individual(s) with small bowel cancer (PMID: 23709753). ClinVar contains an entry for this variant (Variation ID: 480359). Variants that disrupt the consensus splice site are a relatively common cause of aberrant splicing (PMID: 17576681, 9536098). Studies have shown that this variant is associated with altered splicing resulting in multiple RNA products (PMID: 23709753, 26247049; Invitae). In summary, the available evidence is currently insufficient to determine the role of this variant in disease. Therefore, it has been classified as a Variant of Uncertain Significance.

Literature cited by the submitters: PubMed 23709753 (cited by Ambry Genetics and Labcorp Genetics (formerly Invitae), Labcorp); PubMed 26247049 (cited by Ambry Genetics and Labcorp Genetics (formerly Invitae), Labcorp); PubMed 17576681 (cited by Labcorp Genetics (formerly Invitae), Labcorp); PubMed 9536098 (cited by Labcorp Genetics (formerly Invitae), Labcorp).

NM_000535.7(PMS2):c.538-3C>G

Gene: PMS2 (PMS1 homolog 2, mismatch repair system component; minus strand). Cytogenetic location: 7p22.1.
Variant type: single nucleotide variant.
Coding change: c.538-3C>G on transcript NM_000535.7 (MANE Select); 3 bases into the intron before coding-DNA position 538, C replaced by G.
Molecular consequence: intron variant.
Genome position (GRCh38, 1-based): chr7:5,999,278, G>C on the plus strand (C>G on the coding strand, the complement: PMS2 is on the minus strand). VCF-style: chr7-5999278-G-C. GRCh37 (hg19) VCF-style: chr7-6038909-G-C.
Other names: c.220-3C>G (NM_001322008.2, NM_001322007.2); c.133-3C>G (NM_001322010.2, NM_001322004.2, NM_001322003.2 and 2 more transcripts); c.133-1855C>G (NM_001322013.2); c.-347-52C>G (NM_001322012.2, NM_001322011.2); c.229-3C>G (NM_001322015.2); c.538-3C>G (NM_001322006.2, NM_001322014.2).
Identifiers: ClinVar variation 480359 (VCV000480359.9), dbSNP rs1554302546, ClinGen allele CA658657650.